The following is an entry in ClinVar:

NM_012144.4(DNAI1):c.458T>A (p.Leu153Ter)

Gene: DNAI1 (dynein axonemal intermediate chain 1; plus strand). Cytogenetic location: 9p13.3.
Variant type: single nucleotide variant.
Coding change: c.458T>A on transcript NM_012144.4 (MANE Select); coding-DNA position 458, T replaced by A.
Protein change: p.Leu153Ter; replaces leucine 153 with a stop codon.
Molecular consequence: nonsense.
Genome position (GRCh38, 1-based): chr9:34,490,081, T>A. VCF-style: chr9-34490081-T-A. GRCh37 (hg19) VCF-style: chr9-34490079-T-A.
Other names: c.470T>A, p.Leu157Ter (NM_001281428.2); short protein forms L153*, L157*.
Identifiers: ClinVar variation 1072135 (VCV001072135.16), dbSNP rs2132061817, ClinGen allele CA373246055.

ClinVar aggregate classification (germline): Pathogenic. Review status: criteria provided, multiple submitters, no conflicts (2 of 4 stars). 2 submissions from 2 submitters: Pathogenic (2). Last evaluated 2024-05-08.

Conditions:
Primary ciliary dyskinesia. Also called: Ciliary dyskinesia. Identifiers: Orphanet 244, MedGen C0008780, MONDO:0016575, HP:0012265.
Kartagener syndrome (CILD1). Also called: CILIARY DYSKINESIA, PRIMARY, 1; CILIARY DYSKINESIA, PRIMARY, 1, WITH OR WITHOUT SITUS INVERSUS; Dextrocardia bronchiectasis and sinusitis; SIEWERT SYNDROME; IMMOTILE CILIA SYNDROME; POLYNESIAN BRONCHIECTASIS. Identifiers: Orphanet 244, MedGen C4551906, MONDO:0009484, OMIM 244400.

gnomAD v4.1: 1 of 1,614,030 alleles (0.000062%); highest among the groups gnomAD compares: African/African-American, 0.0013%; no homozygotes.

Submissions (2):

Myriad Genetics, Inc.
Classification: Pathogenic for Kartagener syndrome. Last evaluated: 2024-05-08. Review status: criteria provided, single submitter. Criteria: Myriad Autosomal Dominant, Autosomal Recessive and X-Linked Classification Criteria (2023). Collection method: clinical testing. Allele origin: unknown.
Comment: NM_012144.2(DNAI1):c.458T>A(L153*) is expected to be pathogenic in the context of primary ciliary dyskinesia, DNAI1-related. This variant is predicted to lead to an abnormal or absent protein product due to the creation of a premature termination codon in DNAI1, a gene where loss-of-function variants are known to be pathogenic. Please note: this variant was assessed in the context of healthy population screening.

Labcorp Genetics (formerly Invitae), Labcorp
Classification: Pathogenic for Primary ciliary dyskinesia. Last evaluated: 2020-06-09. Review status: criteria provided, single submitter. Criteria: Invitae Variant Classification Sherloc (09022015). Collection method: clinical testing. Allele origin: germline.
Comment: This sequence change creates a premature translational stop signal (p.Leu153*) in the DNAI1 gene. It is expected to result in an absent or disrupted protein product. This variant is not present in population databases (ExAC no frequency). This variant has not been reported in the literature in individuals with DNAI1-related conditions. Loss-of-function variants in DNAI1 are known to be pathogenic (PMID: 16858015, 29363216). For these reasons, this variant has been classified as Pathogenic.

Literature cited by the submitters: PubMed 16858015 (cited by Labcorp Genetics (formerly Invitae), Labcorp); PubMed 29363216 (cited by Labcorp Genetics (formerly Invitae), Labcorp).